The following is an entry in ClinVar:

NM_000235.4(LIPA):c.892del (p.Gln298fs)

Gene: LIPA (lipase A, lysosomal acid type; minus strand). Cytogenetic location: 10q23.31.
Variant type: Deletion.
Coding change: c.892del on transcript NM_000235.4 (MANE Select); coding-DNA position 892, one base deleted (C; older notation c.892delC).
Protein change: p.Gln298fs; shifts the reading frame from glutamine 298.
Molecular consequence: frameshift variant.
Genome position (GRCh38, 1-based): chr10:89,222,513, G deleted on the plus strand (C on the coding strand, the reverse complement: LIPA is on the minus strand); the first of 2 consecutive G bases (chr10:89,222,513-89,222,514); deleting either gives the same sequence. VCF-style (leftmost placement, unchanged base first): chr10-89222512-TG-T. GRCh37 (hg19) VCF-style: chr10-90982269-TG-T.
Other names: c.892del, p.Gln298fs (NM_001127605.3); c.544del, p.Gln182fs (NM_001288979.2); short protein forms Q182fs, Q298fs.
Identifiers: ClinVar variation 2858809 (VCV002858809.3), dbSNP rs2495575151, ClinGen allele CA2574605638.

ClinVar aggregate classification (germline): Pathogenic (1 of 4 stars; one submission).

Conditions:
Wolman disease (WOLD). Also called: Acid cholesteryl ester hydrolase deficiency, Wolman type; Acid lipase disease; Wolman disease, CESD; Wolman disease with hypolipoproteinemia and acanthocytosis; LYSOSOMAL ACID LIPASE DEFICIENCY, ACUTE INFANTILE; LYSOSOMAL ACID LIPASE DEFICIENCY, COMPLETE. Identifiers: Orphanet 75233, MedGen C0043208, MONDO:0019148, OMIM 620151.

Submission:

Labcorp Genetics (formerly Invitae), Labcorp
Classification: Pathogenic for Wolman disease. Last evaluated: 2023-04-24. Review status: criteria provided, single submitter. Criteria: Invitae Variant Classification Sherloc (09022015). Collection method: clinical testing. Allele origin: germline.
Comment: For these reasons, this variant has been classified as Pathogenic. This variant disrupts a region of the LIPA protein in which other variant(s) (p.Asp352del) have been determined to be pathogenic (PMID: 27624512, 28220406; Invitae). This suggests that this is a clinically significant region of the protein, and that variants that disrupt it are likely to be disease-causing. This variant has not been reported in the literature in individuals affected with LIPA-related conditions. This variant is not present in population databases (gnomAD no frequency). This sequence change creates a premature translational stop signal (p.Gln298Argfs*33) in the LIPA gene. While this is not anticipated to result in nonsense mediated decay, it is expected to disrupt the last 102 amino acid(s) of the LIPA protein.

Literature cited by the submitters: PubMed 27624512; PubMed 28220406.